The following is an entry in ClinVar:

ClinVar aggregate classification (germline): Uncertain significance. Review status: criteria provided, multiple submitters, no conflicts (2 of 4 stars). 2 submissions from 2 submitters: Uncertain significance (2). Last evaluated 2025-05-17.

Conditions:
Inborn genetic diseases. Identifiers: MedGen C0950123, MeSH D030342.

Allele frequency attached by ClinVar (database versions not stated): gnomAD 0.00001.
gnomAD v4.1: 44 of 1,614,066 alleles (0.0027%); highest among the groups gnomAD compares: South Asian, 0.047%; 1 homozygote.

Submissions (2):

Ambry Genetics
Classification: Uncertain significance for Inborn genetic diseases. Last evaluated: 2025-05-17. Review status: criteria provided, single submitter. Criteria: Ambry Variant Classification Scheme 2023. Collection method: clinical testing. Allele origin: germline.

Labcorp Genetics (formerly Invitae), Labcorp
Classification: Uncertain significance. Last evaluated: 2025-01-23. Review status: criteria provided, single submitter. Criteria: Invitae Variant Classification Sherloc (09022015). Collection method: clinical testing. Allele origin: germline.
Comment: This sequence change replaces leucine, which is neutral and non-polar, with phenylalanine, which is neutral and non-polar, at codon 586 of the ALPK1 protein (p.Leu586Phe). This variant is present in population databases (rs781592281, gnomAD 0.04%), and has an allele count higher than expected for a pathogenic variant. This variant has not been reported in the literature in individuals affected with ALPK1-related conditions. ClinVar contains an entry for this variant (Variation ID: 1945592). Invitae Evidence Modeling of protein sequence and biophysical properties (such as structural, functional, and spatial information, amino acid conservation, physicochemical variation, residue mobility, and thermodynamic stability) indicates that this missense variant is not expected to disrupt ALPK1 protein function with a negative predictive value of 80%. In summary, the available evidence is currently insufficient to determine the role of this variant in disease. Therefore, it has been classified as a Variant of Uncertain Significance.

NM_025144.4(ALPK1):c.1758A>T (p.Leu586Phe)

Gene: ALPK1 (alpha kinase 1; plus strand). Cytogenetic location: 4q25.
Variant type: single nucleotide variant.
Coding change: c.1758A>T on transcript NM_025144.4 (MANE Select); coding-DNA position 1758, A replaced by T.
Protein change: p.Leu586Phe; replaces leucine 586 with phenylalanine.
Molecular consequence: missense variant.
Genome position (GRCh38, 1-based): chr4:112,431,305, A>T. VCF-style: chr4-112431305-A-T. GRCh37 (hg19) VCF-style: chr4-113352461-A-T.
Other names: c.1758A>T, p.Leu586Phe (NM_001102406.2); c.1524A>T, p.Leu508Phe (NM_001253884.2); c.1758A>T (NM_025144.3); short protein forms L586F, L508F.
Identifiers: ClinVar variation 1945592 (VCV001945592.6), dbSNP rs781592281, ClinGen allele CA3046793.